The following is an entry in ClinVar:

ClinVar aggregate classification (germline): Likely benign. Review status: criteria provided, multiple submitters, no conflicts (2 of 4 stars). 7 submissions from 7 submitters: Likely benign (4). 3 of the submissions do not count toward it. Last evaluated 2026-02-01.

Conditions:
WDR1-related disorder. Also called: WDR1-related condition.

Allele frequency attached by ClinVar (database versions not stated): 1000 Genomes Project 0.00040; 1000 Genomes Project 30x 0.00047; gnomAD 0.00061; ESP Exome Variant Server 0.00073; TOPMed 0.00081; gnomAD exomes 0.00084 and 0.00124; ExAC 0.00085.
gnomAD v4.1: 1,918 of 1,611,214 alleles (0.12%); highest among the groups gnomAD compares: Admixed American, 0.17%; 1 homozygote.

Submissions (7):

Labcorp Genetics (formerly Invitae), Labcorp
Classification: Likely benign. Last evaluated: 2026-02-01. Review status: criteria provided, single submitter. Criteria: Invitae Variant Classification Sherloc (09022015). Collection method: clinical testing. Allele origin: germline.

Blueprint Genetics
Classification: Likely benign. Last evaluated: 2024-09-23. Review status: criteria provided, single submitter. Criteria: ACMG Guidelines, 2015. Collection method: clinical testing. Allele origin: germline.

CeGaT Center for Human Genetics Tuebingen
Classification: Likely benign. Last evaluated: 2021-05-01. Review status: criteria provided, single submitter. Criteria: CeGaT Center For Human Genetics Tuebingen Variant Classification Criteria Version 2. Collection method: clinical testing. Allele origin: germline. Affected: yes. Observed: 2 variant alleles.

Breakthrough Genomics
Classification: Likely benign. Review status: criteria provided, single submitter. Criteria: ACMG Guidelines, 2015. Collection method: not provided. Allele origin: germline. Inheritance: Autosomal recessive inheritance. Affected: yes.

PreventionGenetics, part of Exact Sciences
Classification: Likely benign for WDR1-related condition. Last evaluated: 2019-06-13. Review status: no assertion criteria provided. Collection method: clinical testing. Allele origin: germline. Not counted in ClinVar's aggregate classification.
Comment: This variant is classified as likely benign based on ACMG/AMP sequence variant interpretation guidelines (Richards et al. 2015 PMID: 25741868, with internal and published modifications).

Clinical Genetics DNA and cytogenetics Diagnostics Lab, Erasmus MC, Erasmus Medical Center
Classification: Likely benign. Review status: no assertion criteria provided. Collection method: clinical testing. Allele origin: germline. Affected: yes. Study: VKGL Data-share Consensus. Not counted in ClinVar's aggregate classification.

Laboratory of Diagnostic Genome Analysis, Leiden University Medical Center (LUMC)
Classification: Likely benign. Review status: no assertion criteria provided. Collection method: clinical testing. Allele origin: germline. Affected: yes. Study: VKGL Data-share Consensus. Not counted in ClinVar's aggregate classification.

NM_017491.5(WDR1):c.414T>A (p.Ser138=)

Gene: WDR1 (WD repeat domain 1; minus strand). Cytogenetic location: 4p16.1.
Variant type: single nucleotide variant.
Coding change: c.414T>A on transcript NM_017491.5 (MANE Select); coding-DNA position 414, T replaced by A.
Protein change: p.Ser138=; no amino-acid change (serine 138 retained).
Molecular consequence: synonymous variant. On other transcripts: intron variant (1).
Genome position (GRCh38, 1-based): chr4:10,097,855, A>T on the plus strand (T>A on the coding strand, the complement: WDR1 is on the minus strand). VCF-style: chr4-10097855-A-T. GRCh37 (hg19) VCF-style: chr4-10099479-A-T.
Other names: c.139-9114T>A (NM_005112.5).
Identifiers: ClinVar variation 722768 (VCV000722768.53), dbSNP rs187107828, ClinGen allele CA2858059.
Genomic context (GRCh38, chr4:10,097,855, plus strand): 5'-CCGGCTCTGCTTGATGTCCACGCTGTTGATGACTTTGTTGTGTCCTGTAATCTCGCCCAC[A>T]GAAGAGCCACTATCCCAGAGGAAGACTGCTCCAAACCTTGACCCAATGACACAGGTGGAA-3'
Protein context (NP_059830.1, residues 128-148): GAVFLWDSGS[Ser138=]VGEITGHNKV